The following is an entry in ClinVar:

ClinVar aggregate classification (germline): Benign. Review status: criteria provided, multiple submitters, no conflicts (2 of 4 stars). 9 submissions from 9 submitters: Benign (9). Last evaluated 2026-02-03.

Conditions:
Inborn genetic diseases. Identifiers: MedGen C0950123, MeSH D030342.
Generalized epilepsy with febrile seizures plus, type 9 (GEFSP9). Also called: GEFS+, TYPE 9. Identifiers: Orphanet 36387, MedGen C4015395, MONDO:0014517, OMIM 616172.

Allele frequency attached by ClinVar (database versions not stated): 1000 Genomes Project 0.15256; 1000 Genomes Project 30x 0.15334; TOPMed 0.23548; ExAC 0.24129; gnomAD 0.24221 and 0.24748; gnomAD exomes 0.24762 and 0.28527; ESP Exome Variant Server 0.24796.
gnomAD v4.1: 451,561 of 1,611,714 alleles (28%); highest among the groups gnomAD compares: Admixed American, 31%; 68,179 homozygotes.

Submissions (9):

Labcorp Genetics (formerly Invitae), Labcorp
Classification: Benign for Generalized epilepsy with febrile seizures plus, type 9. Last evaluated: 2026-02-03. Review status: criteria provided, single submitter. Criteria: Invitae Variant Classification Sherloc (09022015). Collection method: clinical testing. Allele origin: germline.

Blueprint Genetics
Classification: Benign. Last evaluated: 2024-11-27. Review status: criteria provided, single submitter. Criteria: ACMG Guidelines, 2015. Collection method: clinical testing. Allele origin: germline.

Unidad de Genómica Garrahan, Hospital de Pediatría Garrahan
Classification: Benign. Last evaluated: 2024-07-15. Review status: criteria provided, single submitter. Criteria: ACMG Guidelines, 2015. Collection method: clinical testing. Allele origin: germline. Affected: no. Observed: 50 variant alleles.
Comment: This variant is classified as Benign based on local population frequency. This variant was detected in 54% of patients studied in a panel designed for Epileptic and Developmental Encephalopathy and Progressive Myoclonus Epilepsy. Number of patients: 50. Only high quality variants are reported.

Genome-Nilou Lab
Classification: Benign for Generalized epilepsy with febrile seizures plus, type 9. Last evaluated: 2021-07-15. Review status: criteria provided, single submitter. Criteria: ACMG Guidelines, 2015. Collection method: clinical testing. Allele origin: germline. Affected: no.

GeneDx
Classification: Benign. Last evaluated: 2018-07-17. Review status: criteria provided, single submitter. Criteria: GeneDx Variant Classification Process June 2021. Collection method: clinical testing. Allele origin: germline. Affected: yes.

Mayo Clinic Laboratories, Mayo Clinic
Classification: Benign. Last evaluated: 2018-04-02. Review status: criteria provided, single submitter. Criteria: ACMG Guidelines, 2015. Collection method: clinical testing. Allele origin: germline. Observed: 199 variant alleles.

Athena Diagnostics
Classification: Benign. Last evaluated: 2017-04-20. Review status: criteria provided, single submitter. Criteria: Athena Diagnostics Criteria. Collection method: clinical testing. Allele origin: germline.

Ambry Genetics
Classification: Benign for Inborn genetic diseases. Last evaluated: 2016-01-08. Review status: criteria provided, single submitter. Criteria: Ambry Variant Classification Scheme 2023. Collection method: clinical testing. Allele origin: germline.

Breakthrough Genomics
Classification: Benign. Review status: criteria provided, single submitter. Criteria: ACMG Guidelines, 2015. Collection method: not provided. Allele origin: germline. Inheritance: Autosomal dominant inheritance. Affected: yes.

NM_052874.5(STX1B):c.840A>G (p.Ser280=)

Gene: STX1B (syntaxin 1B; minus strand). Cytogenetic location: 16p11.2.
Variant type: single nucleotide variant.
Coding change: c.840A>G on transcript NM_052874.5 (MANE Select); coding-DNA position 840, A replaced by G.
Protein change: p.Ser280=; no amino-acid change (serine 280 retained).
Molecular consequence: synonymous variant.
Genome position (GRCh38, 1-based): chr16:30,992,848, T>C on the plus strand (A>G on the coding strand, the complement: STX1B is on the minus strand). VCF-style: chr16-30992848-T-C. GRCh37 (hg19) VCF-style: chr16-31004169-T-C.
Other names: p.Ser280=.
Identifiers: ClinVar variation 586687 (VCV000586687.24), dbSNP rs17855121, ClinGen allele CA8018224.